The following is an entry in ClinVar:

ClinVar aggregate classification (germline): Pathogenic (1 of 4 stars; one submission).

Conditions:
Charcot-Marie-Tooth disease type 2. Also called: Charcot-Marie-Tooth type 2. Identifiers: Orphanet 64746, MedGen C0270914, MONDO:0018993.

Submission:

Labcorp Genetics (formerly Invitae), Labcorp
Classification: Pathogenic for Charcot-Marie-Tooth disease type 2. Last evaluated: 2024-11-05. Review status: criteria provided, single submitter. Criteria: Invitae Variant Classification Sherloc (09022015). Collection method: clinical testing. Allele origin: germline.
Comment: This sequence change replaces isoleucine, which is neutral and non-polar, with serine, which is neutral and polar, at codon 334 of the GARS protein (p.Ile334Ser). This variant is not present in population databases (gnomAD no frequency). This missense change has been observed in individual(s) with GARS-related conditions (internal data). In at least one individual the variant was observed to be de novo. ClinVar contains an entry for this variant (Variation ID: 834274). Invitae Evidence Modeling of protein sequence and biophysical properties (such as structural, functional, and spatial information, amino acid conservation, physicochemical variation, residue mobility, and thermodynamic stability) indicates that this missense variant is expected to disrupt GARS protein function with a positive predictive value of 95%. This variant disrupts the p.Ile334 amino acid residue in GARS. Other variant(s) that disrupt this residue have been determined to be pathogenic (PMID: 17101916, 24604904, 25168514). This suggests that this residue is clinically significant, and that variants that disrupt this residue are likely to be disease-causing. For these reasons, this variant has been classified as Pathogenic.

Literature cited by the submitters: PubMed 17101916; PubMed 24604904; PubMed 25168514.

NM_002047.4(GARS1):c.1001T>G (p.Ile334Ser)

Gene: GARS1 (glycyl-tRNA synthetase 1; plus strand). Cytogenetic location: 7p14.3.
Variant type: single nucleotide variant.
Coding change: c.1001T>G on transcript NM_002047.4 (MANE Select); coding-DNA position 1001, T replaced by G.
Protein change: p.Ile334Ser; replaces isoleucine 334 with serine.
Molecular consequence: missense variant.
Genome position (GRCh38, 1-based): chr7:30,612,215, T>G. VCF-style: chr7-30612215-T-G. GRCh37 (hg19) VCF-style: chr7-30651831-T-G.
Other names: c.839T>G, p.Ile280Ser (NM_001316772.1); short protein forms I280S, I334S.
Identifiers: ClinVar variation 834274 (VCV000834274.9), dbSNP rs1554338262, ClinGen allele CA367125517.